The following is an entry in ClinVar:

NM_000384.3(APOB):c.9321C>T (p.Asn3107=)

Gene: APOB (apolipoprotein B; minus strand). Cytogenetic location: 2p24.1.
Variant type: single nucleotide variant.
Coding change: c.9321C>T on transcript NM_000384.3 (MANE Select); coding-DNA position 9321, C replaced by T.
Protein change: p.Asn3107=; no amino-acid change (asparagine 3107 retained).
Molecular consequence: synonymous variant.
Genome position (GRCh38, 1-based): chr2:21,007,547, G>A on the plus strand (C>T on the coding strand, the complement: APOB is on the minus strand). VCF-style: chr2-21007547-G-A. GRCh37 (hg19) VCF-style: chr2-21230419-G-A.
Identifiers: ClinVar variation 925615 (VCV000925615.14), dbSNP rs72653101, ClinGen allele CA066448.

ClinVar aggregate classification (germline): Benign/Likely benign. Review status: criteria provided, multiple submitters, no conflicts (2 of 4 stars). 4 submissions from 4 submitters: Benign (1); Likely benign (3). Last evaluated 2025-11-11.

Conditions:
Cardiovascular phenotype. Identifiers: MedGen CN230736.
Familial hypobetalipoproteinemia 1. Also called: Hypobetalipoproteinemia, normotriglyceridemic; Acanthocytosis with hypobetalipoproteinemia; APOB-Related Familial Hypobetalipoproteinemia. Identifiers: MedGen C4551990, MONDO:0014252, OMIM 615558.
Hypercholesterolemia, autosomal dominant, type B (FHCL2). Also called: Familial Hypercholesterolemia Type B; Familial hypercholesterolemia 2; Hyperlipoproteinemia Type IIb; HYPERCHOLESTEROLEMIA, FAMILIAL, DUE TO LIGAND-DEFECTIVE APOLIPOPROTEIN B; APOLIPOPROTEIN B-100, FAMILIAL DEFECTIVE; APOLIPOPROTEIN B-100, FAMILIAL LIGAND-DEFECTIVE. Identifiers: MedGen C1704417, MONDO:0007751, OMIM 144010.
Familial hypercholesterolemia. Also called: Familial hypercholesterolemias; Familial hypercholesterolaemia. Identifiers: MedGen C0020445, MONDO:0005439.

Allele frequency attached by ClinVar (database versions not stated): TOPMed 0.00005; 1000 Genomes Project 30x 0.00047; 1000 Genomes Project 0.00060.
gnomAD v4.1: 124 of 1,614,004 alleles (0.0077%); highest among the groups gnomAD compares: South Asian, 0.0088%; no homozygotes.

Submissions (4):

Labcorp Genetics (formerly Invitae), Labcorp
Classification: Benign for Familial hypobetalipoproteinemia 1; Hypercholesterolemia, autosomal dominant, type B. Last evaluated: 2025-11-11. Review status: criteria provided, single submitter. Criteria: Invitae Variant Classification Sherloc (09022015). Collection method: clinical testing. Allele origin: germline.

GENinCode PLC
Classification: Likely benign for Familial hypercholesterolemia. Last evaluated: 2025-06-11. Review status: criteria provided, single submitter. Criteria: ACMG Guidelines, 2015. Collection method: clinical testing. Allele origin: germline.
Comment: This is a synonymous (silent) variant that is not predicted to impact splicing and occurs at a nucleotide which is not highly conserved. This variant has been classified as Likely Benign (BP4, BP7).

Blueprint Genetics
Classification: Likely benign. Last evaluated: 2023-09-12. Review status: criteria provided, single submitter. Criteria: ACMG Guidelines, 2015. Collection method: clinical testing. Allele origin: germline.

Ambry Genetics
Classification: Likely benign for Cardiovascular phenotype. Last evaluated: 2020-07-09. Review status: criteria provided, single submitter. Criteria: Ambry Variant Classification Scheme 2023. Collection method: clinical testing. Allele origin: germline.